The following is an entry in ClinVar:

ClinVar aggregate classification (germline): Likely benign (1 of 4 stars; one submission).

Conditions:
IFT70B-related disorder. Also called: IFT70B-related condition.

gnomAD v4.1: 222 of 1,614,240 alleles (0.014%); highest among the groups gnomAD compares: Non-Finnish European, 0.018%; no homozygotes.

Submission:

PreventionGenetics, part of Exact Sciences
Classification: Likely benign for IFT70B-related condition. Last evaluated: 2026-04-07. Review status: criteria provided, single submitter. Criteria: ACMG Guidelines, 2015. Collection method: clinical testing. Allele origin: germline.
Comment: This variant is classified as likely benign based on ACMG/AMP sequence variant interpretation guidelines (Richards et al. 2015 PMID: 25741868, with internal and published modifications).

NM_152517.3(IFT70B):c.693T>C (p.Thr231=)

Gene: IFT70B (intraflagellar transport 70B; minus strand). Cytogenetic location: 2q31.2.
Variant type: single nucleotide variant.
Coding change: c.693T>C on transcript NM_152517.3 (MANE Select); coding-DNA position 693, T replaced by C.
Protein change: p.Thr231=; no amino-acid change (threonine 231 retained).
Molecular consequence: synonymous variant.
Genome position (GRCh38, 1-based): chr2:177,552,071, A>G on the plus strand (T>C on the coding strand, the complement: IFT70B is on the minus strand). VCF-style: chr2-177552071-A-G. GRCh37 (hg19) VCF-style: chr2-178416799-A-G.
Identifiers: ClinVar variation 4980048 (VCV004980048.1).